The following is an entry in ClinVar:

ClinVar aggregate classification (germline): Uncertain significance (1 of 4 stars; one submission).

gnomAD v4.1: 149 of 152,344 alleles (0.098%); highest among the groups gnomAD compares: Non-Finnish European, 0.19%; no homozygotes.

Submission:

Greenwood Genetic Center Diagnostic Laboratories, Greenwood Genetic Center
Classification: Uncertain significance. Last evaluated: 2025-04-21. Review status: criteria provided, single submitter. Criteria: ACMG Guidelines, 2015. Collection method: clinical testing. Allele origin: germline. Affected: yes.
Comment: BP4

NM_018121.4(SLF2):c.2513-423A>G

Gene: SLF2 (SMC5/6 complex localization factor 2; plus strand). Cytogenetic location: 10q24.31.
Variant type: single nucleotide variant.
Coding change: c.2513-423A>G on transcript NM_018121.4 (MANE Select); 423 bases into the intron before coding-DNA position 2513, A replaced by G.
Molecular consequence: intron variant.
Genome position (GRCh38, 1-based): chr10:100,938,172, A>G. VCF-style: chr10-100938172-A-G. GRCh37 (hg19) VCF-style: chr10-102697929-A-G.
Other names: c.2513-423A>G (NM_001136123.2).
Identifiers: ClinVar variation 4538377 (VCV004538377.1).
Genomic context (GRCh38, chr10:100,938,172, plus strand): 5'-GCAACAGTATTATACTGATAATACAGTAAGGCATATTGAAAGCATCCACTGTAAAAGTGT[A>G]ACATTTGCTTTCTCATCTTTGAGAGCCCTTATAATAAAACAAGCATAGTGGTTTACCTGT-3'